The following is an entry in ClinVar:

NM_019066.5(MAGEL2):c.16_27del (p.Lys6_Gly9del)

Gene: MAGEL2 (MAGE family member L2; minus strand). Cytogenetic location: 15q11.2.
Variant type: Deletion.
Coding change: c.16_27del on transcript NM_019066.5 (MANE Select); coding-DNA positions 16 to 27, 12 bases deleted (AAGAATCTGGGT).
Protein change: p.Lys6_Gly9del.
Molecular consequence: inframe deletion.
Genome position (GRCh38, 1-based): chr15:23,647,716-23,647,727, ACCCAGATTCTT deleted on the plus strand (AAGAATCTGGGT on the coding strand, the reverse complement: MAGEL2 is on the minus strand); deleting any 12 consecutive bases within chr15:23,647,716-23,647,729 gives the same sequence; the c. name uses the placement nearest the transcript's 3' end. VCF-style (leftmost placement, unchanged base first): chr15-23647715-CACCCAGATTCTT-C. GRCh37 (hg19) VCF-style: chr15-23892862-CACCCAGATTCTT-C.
Identifiers: ClinVar variation 3357100 (VCV003357100.1).

ClinVar aggregate classification (germline): Uncertain significance (0 of 4 stars; one submission).

Conditions:
MAGEL2-related disorder. Also called: MAGEL2-related condition.

Submission:

PreventionGenetics, part of Exact Sciences
Classification: Uncertain significance for MAGEL2-related condition. Last evaluated: 2024-08-06. Review status: no assertion criteria provided. Collection method: clinical testing. Allele origin: germline.
Comment: The MAGEL2 c.16_27del12 variant is predicted to result in an in-frame deletion (p.Lys6_Gly9del). To our knowledge, this variant has not been reported in the literature or in gnomAD, indicating this variant is rare. At this time, the clinical significance of this variant is uncertain due to the absence of conclusive functional and genetic evidence.